The following is an entry in ClinVar:

ClinVar aggregate classification (germline): Pathogenic (3 of 4 stars; one submission).

Conditions:
Breast-ovarian cancer, familial, susceptibility to, 2 (BROVCA2). Also called: BRCA2 Hereditary Breast and Ovarian Cancer. Identifiers: Orphanet 145, MedGen C2675520, MONDO:0012933, OMIM 612555. Disease mechanism: loss of function.

Submission:

Evidence-based Network for the Interpretation of Germline Mutant Alleles (ENIGMA)
Classification: Pathogenic for Breast-ovarian cancer, familial, susceptibility to, 2. Last evaluated: 2016-09-08. Review status: reviewed by expert panel. Criteria: ENIGMA BRCA1/2 Classification Criteria (2015). Collection method: curation. Allele origin: germline.
Comment: Variant allele predicted to encode a truncated non-functional protein.

NM_000059.4(BRCA2):c.3808_3809del (p.Val1270fs)

Gene: BRCA2 (BRCA2 DNA repair associated; plus strand). Cytogenetic location: 13q13.1.
Variant type: Deletion.
Coding change: c.3808_3809del on transcript NM_000059.4 (MANE Select); coding-DNA positions 3808 to 3809, 2 bases deleted (GT; older notation c.3808_3809delGT).
Protein change: p.Val1270fs; shifts the reading frame from valine 1270.
Molecular consequence: frameshift variant.
Genome position (GRCh38, 1-based): chr13:32,338,163-32,338,164, GT deleted; deleting any 2 consecutive bases within chr13:32,338,162-32,338,164 gives the same sequence; the c. name uses the placement nearest the transcript's 3' end. VCF-style (leftmost placement, unchanged base first): chr13-32338161-TTG-T. GRCh37 (hg19) VCF-style: chr13-32912298-TTG-T.
Other names: c.3808_3809delGT (NM_000059.3); short protein forms V1270fs.
Identifiers: ClinVar variation 254525 (VCV000254525.4), dbSNP rs886038095, ClinGen allele CA10586516.